The following is an entry in ClinVar:

NM_003239.5(TGFB3):c.749T>C (p.Phe250Ser)

Gene: TGFB3 (transforming growth factor beta 3; minus strand). Cytogenetic location: 14q24.3.
Variant type: single nucleotide variant.
Coding change: c.749T>C on transcript NM_003239.5 (MANE Select); coding-DNA position 749, T replaced by C.
Protein change: p.Phe250Ser; replaces phenylalanine 250 with serine.
Molecular consequence: missense variant.
Genome position (GRCh38, 1-based): chr14:75,965,593, A>G on the plus strand (T>C on the coding strand, the complement: TGFB3 is on the minus strand). VCF-style: chr14-75965593-A-G. GRCh37 (hg19) VCF-style: chr14-76431936-A-G.
Other names: c.749T>C, p.Phe250Ser (NM_001329938.2, NM_001329939.2); short protein forms F250S.
Identifiers: ClinVar variation 3605466 (VCV003605466.2).

ClinVar aggregate classification (germline): Uncertain significance (1 of 4 stars; one submission).

Conditions:
Rienhoff syndrome. Also called: LOEYS-DIETZ SYNDROME 5. Identifiers: MedGen C3810012, MONDO:0014262, OMIM 615582.

Submission:

Labcorp Genetics (formerly Invitae), Labcorp
Classification: Uncertain significance for Rienhoff syndrome. Last evaluated: 2024-09-23. Review status: criteria provided, single submitter. Criteria: Invitae Variant Classification Sherloc (09022015). Collection method: clinical testing. Allele origin: germline.
Comment: This sequence change replaces phenylalanine, which is neutral and non-polar, with serine, which is neutral and polar, at codon 250 of the TGFB3 protein (p.Phe250Ser). This variant is not present in population databases (gnomAD no frequency). This variant has not been reported in the literature in individuals affected with TGFB3-related conditions. Invitae Evidence Modeling of protein sequence and biophysical properties (such as structural, functional, and spatial information, amino acid conservation, physicochemical variation, residue mobility, and thermodynamic stability) indicates that this missense variant is not expected to disrupt TGFB3 protein function with a negative predictive value of 80%. In summary, the available evidence is currently insufficient to determine the role of this variant in disease. Therefore, it has been classified as a Variant of Uncertain Significance.